The following is an entry in ClinVar:

NM_080605.4(B3GALT6):c.749C>T (p.Ala250Val)

Gene: B3GALT6 (beta-1,3-galactosyltransferase 6; plus strand). Cytogenetic location: 1p36.33.
Variant type: single nucleotide variant.
Coding change: c.749C>T on transcript NM_080605.4 (MANE Select); coding-DNA position 749, C replaced by T.
Protein change: p.Ala250Val; replaces alanine 250 with valine.
Molecular consequence: missense variant.
Genome position (GRCh38, 1-based): chr1:1,233,027, C>T. VCF-style: chr1-1233027-C-T. GRCh37 (hg19) VCF-style: chr1-1168407-C-T.
Other names: short protein forms A250V.
Identifiers: ClinVar variation 1691282 (VCV001691282.4), dbSNP rs2100994545, ClinGen allele CA337829123.

ClinVar aggregate classification (germline): Uncertain significance (1 of 4 stars; one submission).

Conditions:
Al-Gazali syndrome. Also called: Al Gazali Al Talabani syndrome; Eye defects arachnodactyly cardiopathy. Identifiers: MedGen C1836121, MONDO:0012282, OMIM 609465.
Ehlers-Danlos syndrome, spondylodysplastic type, 2 (EDSSPD2). Also called: Ehlers-Danlos syndrome, progeroid type, 2. Identifiers: Orphanet 536467, Orphanet 75496, MedGen C3809210, MONDO:0014139, OMIM 615349.
Spondyloepimetaphyseal dysplasia with joint laxity, type 1, with or without fractures (SEMDJL1). Also called: SPONDYLOEPIMETAPHYSEAL DYSPLASIA WITH JOINT LAXITY, TYPE 1. Identifiers: Orphanet 642099, Orphanet 93359, MedGen C4017377, MONDO:0010075, OMIM 271640.

Allele frequency attached by ClinVar (database versions not stated): gnomAD exomes below 0.00001.

Submission:

Diagnostics Services (NGS), CSIR - Centre For Cellular And Molecular Biology
Classification: Uncertain significance for Al-Gazali syndrome; Ehlers-Danlos syndrome, spondylodysplastic type, 2; Spondyloepimetaphyseal dysplasia with joint laxity, type 1, with or without fractures. Last evaluated: 2022-03-15. Review status: criteria provided, single submitter. Criteria: ACMG Guidelines, 2015. Collection method: clinical testing. Allele origin: unknown. Inheritance: Autosomal recessive inheritance. Affected: yes. Observed: 1 variant allele, 1 heterozygote.
Comment: The c.749C>T varant not present in publicly available population databases like 1000 Genomes, Exome Variant Server (EVS), Exome Aggregation Consortium (ExAC), Genome Aggregation Database (gnomAD) and Indian Exome Database. The variant is also not present in our in-house exome database. The variant was not previously reported to Clinvar, Human Genome Mutation Database (HGMD) and/or OMIM databases, in any affected individuals. In-silico pathogenicity prediction programs like PolyPhen-2, MutationTaster2, CADD etc. predicted this variant to be likely deleterious, however these predictions were not confirmed by any published functional studies.